The following is an entry in ClinVar:

ClinVar aggregate classification (germline): Likely pathogenic (1 of 4 stars; one submission).

Conditions:
Early-infantile DEE. Also called: Early infantile epileptic encephalopathy; Early infantile epileptic encephalopathy with suppression bursts; Ohtahara syndrome. Identifiers: Orphanet 1934, MedGen C0393706, MONDO:0800491.

Submission:

Labcorp Genetics (formerly Invitae), Labcorp
Classification: Likely pathogenic for Early-infantile DEE. Last evaluated: 2017-10-28. Review status: criteria provided, single submitter. Criteria: Invitae Variant Classification Sherloc (09022015). Collection method: clinical testing. Allele origin: germline.
Comment: This variant has been reported to be de novo in an individual affected with Dravet syndrome (PMID: 28012175). This sequence change replaces aspartic acid with glycine at codon 1866 of the SCN1A protein (p.Asp1866Gly). The aspartic acid residue is highly conserved and there is a moderate physicochemical difference between aspartic acid and glycine. This variant is not present in population databases (ExAC no frequency). Algorithms developed to predict the effect of missense changes on protein structure and function (SIFT, PolyPhen-2, Align-GVGD) all suggest that this variant is likely to be disruptive, but these predictions have not been confirmed by published functional studies and their clinical significance is uncertain. Algorithms developed to predict the effect of sequence changes on RNA splicing suggest that this variant may create or strengthen a splice site, but this prediction has not been confirmed by published transcriptional studies. In summary, the currently available evidence indicates that the variant is pathogenic, but additional data are needed to prove that conclusively. Therefore, this variant has been classified as Likely Pathogenic.

Literature cited by the submitters: PubMed 28012175.

NM_001165963.4(SCN1A):c.5597A>G (p.Asp1866Gly)

Genes: SCN1A (sodium voltage-gated channel alpha subunit 1; minus strand), LOC102724058 (uncharacterized LOC102724058; plus strand). Cytogenetic location: 2q24.3.
Variant type: single nucleotide variant.
Coding change: c.5597A>G on transcript NM_001165963.4 (MANE Select); coding-DNA position 5597, A replaced by G.
Protein change: p.Asp1866Gly; replaces aspartic acid 1866 with glycine.
Molecular consequence: missense variant. On other transcripts: non-coding transcript variant (1).
Genome position (GRCh38, 1-based): chr2:165,991,678, T>C on the plus strand (A>G on the coding strand, the complement: SCN1A is on the minus strand). VCF-style: chr2-165991678-T-C. GRCh37 (hg19) VCF-style: chr2-166848188-T-C.
Other names: c.5513A>G, p.Asp1838Gly (NM_001165964.3, NM_001353957.2, NM_001353958.2); c.5597A>G, p.Asp1866Gly (NM_001202435.3, NM_001353948.2); c.5564A>G, p.Asp1855Gly (NM_001353949.2, NM_001353950.2, NM_001353951.2 and 2 more transcripts); c.5561A>G, p.Asp1854Gly (NM_001353954.2, NM_001353955.2); c.5510A>G, p.Asp1837Gly (NM_001353960.2); c.3155A>G, p.Asp1052Gly (NM_001353961.2); short protein forms D1855G, D1866G, D1838G, D1052G, D1837G, D1854G.
Identifiers: ClinVar variation 530427 (VCV000530427.9), dbSNP rs1553520029, ClinGen allele CA16602232.